The following is an entry in ClinVar:

ClinVar aggregate classification (germline): Uncertain significance (1 of 4 stars; one submission).

Conditions:
Cardiovascular phenotype. Identifiers: MedGen CN230736.
Hereditary cancer-predisposing syndrome. Also called: Tumor predisposition; Hereditary neoplastic syndrome; Hereditary Cancer Syndrome; Neoplastic Syndromes, Hereditary. Identifiers: Orphanet 140162, MedGen C0027672, MeSH D009386, MONDO:0015356.

gnomAD v4.1: 1 of 1,613,354 alleles (0.000062%); highest among the groups gnomAD compares: African/African-American, 0.0013%; no homozygotes.

Submission:

Ambry Genetics
Classification: Uncertain significance for Cardiovascular phenotype; Hereditary cancer-predisposing syndrome. Last evaluated: 2025-06-12. Review status: criteria provided, single submitter. Criteria: Ambry Variant Classification Scheme 2023. Collection method: clinical testing. Allele origin: germline.
Comment: The p.I669N variant (also known as c.2006T>A), located in coding exon 17 of the LZTR1 gene, results from a T to A substitution at nucleotide position 2006. The isoleucine at codon 669 is replaced by asparagine, an amino acid with dissimilar properties. This amino acid position is conserved. In addition, this alteration is predicted to be deleterious by in silico analysis. Based on the available evidence, the clinical significance of this variant remains unclear.

NM_006767.4(LZTR1):c.2006T>A (p.Ile669Asn)

Gene: LZTR1 (leucine zipper like post translational regulator 1; plus strand). Cytogenetic location: 22q11.21.
Variant type: single nucleotide variant.
Coding change: c.2006T>A on transcript NM_006767.4 (MANE Select); coding-DNA position 2006, T replaced by A.
Protein change: p.Ile669Asn; replaces isoleucine 669 with asparagine.
Molecular consequence: missense variant.
Genome position (GRCh38, 1-based): chr22:20,995,809, T>A. VCF-style: chr22-20995809-T-A. GRCh37 (hg19) VCF-style: chr22-21350098-T-A.
Other names: short protein forms I669N.
Identifiers: ClinVar variation 3944819 (VCV003944819.1).